The following is an entry in ClinVar:

NM_006017.3(PROM1):c.2327A>T (p.Asp776Val)

Gene: PROM1 (prominin 1; minus strand). Cytogenetic location: 4p15.32.
Variant type: single nucleotide variant.
Coding change: c.2327A>T on transcript NM_006017.3 (MANE Select); coding-DNA position 2327, A replaced by T.
Protein change: p.Asp776Val; replaces aspartic acid 776 with valine.
Molecular consequence: missense variant.
Genome position (GRCh38, 1-based): chr4:15,984,309, T>A on the plus strand (A>T on the coding strand, the complement: PROM1 is on the minus strand). VCF-style: chr4-15984309-T-A. GRCh37 (hg19) VCF-style: chr4-15985932-T-A.
Other names: c.2300A>T, p.Asp767Val (NM_001145847.2, NM_001145848.2, NM_001145851.2 and 4 more transcripts); c.2327A>T, p.Asp776Val (NM_001145849.2, NM_001145850.2); short protein forms D767V, D776V.
Identifiers: ClinVar variation 866133 (VCV000866133.13), dbSNP rs1033920857, ClinGen allele CA92574710.

ClinVar aggregate classification (germline): Conflicting classifications of pathogenicity. Review status: criteria provided, conflicting classifications (1 of 4 stars). 4 submissions from 4 submitters: Likely pathogenic (2); Uncertain significance (2). Last evaluated 2024-01-02.

Conditions:
Retinitis pigmentosa 41 (RP41). Also called: RETINAL DEGENERATION, AUTOSOMAL RECESSIVE, PROMININ-RELATED. Identifiers: Orphanet 791, MedGen C2677516, MONDO:0012796, OMIM 612095.
PROM1-related disorder. Also called: PROM1-related condition; PROM1-related disorders.
Cone-rod dystrophy 12 (CORD12). Identifiers: Orphanet 1872, MedGen C2675210, MONDO:0012983, OMIM 612657.
Retinal macular dystrophy type 2 (MCDR2). Also called: Bull's eye macular dystrophy. Identifiers: Orphanet 319640, MedGen C4749334, MONDO:0011957, OMIM 608051.
Stargardt disease 4 (STGD4). Identifiers: Orphanet 827, MedGen C1863534, MONDO:0011370, OMIM 603786.

Allele frequency attached by ClinVar (database versions not stated): gnomAD exomes below 0.00001; gnomAD 0.00001; TOPMed 0.00001.
gnomAD v4.1: 35 of 1,608,986 alleles (0.0022%); highest among the groups gnomAD compares: Non-Finnish European, 0.0029%; no homozygotes.

Submissions (4):

Labcorp Genetics (formerly Invitae), Labcorp
Classification: Likely pathogenic. Last evaluated: 2024-01-02. Review status: criteria provided, single submitter. Criteria: Invitae Variant Classification Sherloc (09022015). Collection method: clinical testing. Allele origin: germline.
Comment: This sequence change replaces aspartic acid, which is acidic and polar, with valine, which is neutral and non-polar, at codon 776 of the PROM1 protein (p.Asp776Val). The frequency data for this variant in the population databases is considered unreliable, as metrics indicate poor data quality at this position in the gnomAD database. This missense change has been observed in individual(s) with retinitis pigmentosa and/or Stargardt disease (PMID: 28095140; Invitae). ClinVar contains an entry for this variant (Variation ID: 866133). Advanced modeling of protein sequence and biophysical properties (such as structural, functional, and spatial information, amino acid conservation, physicochemical variation, residue mobility, and thermodynamic stability) performed at Invitae indicates that this missense variant is expected to disrupt PROM1 protein function with a positive predictive value of 80%. Algorithms developed to predict the effect of sequence changes on RNA splicing suggest that this variant may disrupt the consensus splice site. In summary, the currently available evidence indicates that the variant is pathogenic, but additional data are needed to prove that conclusively. Therefore, this variant has been classified as Likely Pathogenic.

Fulgent Genetics
Classification: Uncertain significance for Stargardt disease 4; Retinal macular dystrophy type 2; Retinitis pigmentosa 41; Cone-rod dystrophy 12. Last evaluated: 2022-01-11. Review status: criteria provided, single submitter. Criteria: ACMG Guidelines, 2015. Collection method: clinical testing. Allele origin: unknown.

Ocular Genomics Institute, Massachusetts Eye and Ear
Classification: Uncertain significance for Retinitis pigmentosa 41. Last evaluated: 2021-04-08. Review status: criteria provided, single submitter. Criteria: ACMG Guidelines, 2015. Collection method: research. Allele origin: germline. Affected: yes.
Comment: Through a review of available evidence we were able to apply the following criteria: PM2. Based on this evidence we have classified this variant as Variant of Uncertain Significance.

Blueprint Genetics
Classification: Likely pathogenic for PROM1-related disorders. Last evaluated: 2021-03-02. Review status: criteria provided, single submitter. Criteria: ACMG Guidelines, 2015. Collection method: clinical testing. Allele origin: germline. Affected: yes. Observed: 3 variant alleles.

Literature cited by the submitters: PubMed 28095140 (cited by Labcorp Genetics (formerly Invitae), Labcorp).